The following is an entry in ClinVar:

NM_000057.4(BLM):c.1379C>A (p.Ser460Ter)

Gene: BLM (BLM RecQ like helicase; plus strand). Cytogenetic location: 15q26.1.
Variant type: single nucleotide variant.
Coding change: c.1379C>A on transcript NM_000057.4 (MANE Select); coding-DNA position 1379, C replaced by A.
Protein change: p.Ser460Ter; replaces serine 460 with a stop codon.
Molecular consequence: nonsense.
Genome position (GRCh38, 1-based): chr15:90,760,752, C>A. VCF-style: chr15-90760752-C-A. GRCh37 (hg19) VCF-style: chr15-91303982-C-A.
Other names: c.1379C>A, p.Ser460Ter (NM_001287246.2, NM_001287247.2); c.254C>A, p.Ser85Ter (NM_001287248.2); short protein forms S85*, S460*.
Identifiers: ClinVar variation 4734938 (VCV004734938.1).
Genomic context (GRCh38, chr15:90,760,752, plus strand): 5'-AGGGTGATTCCTGCCCTACAGGGAATTCTATGAAGGAGTTAAATTTTTCACACCTTCCCT[C>A]AAATTCTGTTTCTCCTGGGGACTGTTTACTGACTACCACCCTAGGAAAGACAGGATTCTC-3'

ClinVar aggregate classification (germline): Pathogenic (1 of 4 stars; one submission).

Conditions:
Bloom syndrome (BLM). Also called: Bloom-Torre-Machacek syndrome. Identifiers: Orphanet 125, MedGen C0005859, MONDO:0008876, OMIM 210900.

Submission:

Labcorp Genetics (formerly Invitae), Labcorp
Classification: Pathogenic for Bloom syndrome. Last evaluated: 2026-01-08. Review status: criteria provided, single submitter. Criteria: Invitae Variant Classification Sherloc (09022015). Collection method: clinical testing. Allele origin: germline.
Comment: This sequence change creates a premature translational stop signal (p.Ser460*) in the BLM gene. It is expected to result in an absent or disrupted protein product. Loss-of-function variants in BLM are known to be pathogenic (PMID: 17407155). This variant is not present in population databases (gnomAD no frequency). This variant has not been reported in the literature in individuals affected with BLM-related conditions. For these reasons, this variant has been classified as Pathogenic.

Literature cited by the submitters: PubMed 17407155.